The following is an entry in ClinVar:

NM_000530.8(MPZ):c.79G>C (p.Ala27Pro)

Gene: MPZ (myelin protein zero; minus strand). Cytogenetic location: 1q23.3.
Variant type: single nucleotide variant.
Coding change: c.79G>C on transcript NM_000530.8 (MANE Select); coding-DNA position 79, G replaced by C.
Protein change: p.Ala27Pro; replaces alanine 27 with proline.
Molecular consequence: missense variant.
Genome position (GRCh38, 1-based): chr1:161,307,413, C>G on the plus strand (G>C on the coding strand, the complement: MPZ is on the minus strand). VCF-style: chr1-161307413-C-G. GRCh37 (hg19) VCF-style: chr1-161277203-C-G.
Other names: c.79G>C, p.Ala27Pro (NM_001315491.2); short protein forms A27P.
Identifiers: ClinVar variation 1720087 (VCV001720087.5), dbSNP rs2526244139, ClinGen allele CA343351690.

ClinVar aggregate classification (germline): Uncertain significance (1 of 4 stars; one submission).

Conditions:
Charcot-Marie-Tooth disease, type I (CMT1). Also called: Charcot-Marie-Tooth disease type 1; Charcot-Marie-Tooth, Type 1. Identifiers: Orphanet 65753, MedGen C0751036, MONDO:0019011.

Submission:

Labcorp Genetics (formerly Invitae), Labcorp
Classification: Uncertain significance for Charcot-Marie-Tooth disease, type I. Last evaluated: 2022-12-17. Review status: criteria provided, single submitter. Criteria: Invitae Variant Classification Sherloc (09022015). Collection method: clinical testing. Allele origin: germline.
Comment: Advanced modeling of protein sequence and biophysical properties (such as structural, functional, and spatial information, amino acid conservation, physicochemical variation, residue mobility, and thermodynamic stability) performed at Invitae indicates that this missense variant is not expected to disrupt MPZ protein function. In summary, the available evidence is currently insufficient to determine the role of this variant in disease. Therefore, it has been classified as a Variant of Uncertain Significance. ClinVar contains an entry for this variant (Variation ID: 1720087). This variant has not been reported in the literature in individuals affected with MPZ-related conditions. This variant is not present in population databases (gnomAD no frequency). This sequence change replaces alanine, which is neutral and non-polar, with proline, which is neutral and non-polar, at codon 27 of the MPZ protein (p.Ala27Pro).